The following is an entry in ClinVar:

ClinVar aggregate classification (germline): Pathogenic (1 of 4 stars; one submission).

Submission:

Labcorp Genetics (formerly Invitae), Labcorp
Classification: Pathogenic. Last evaluated: 2024-09-23. Review status: criteria provided, single submitter. Criteria: Invitae Variant Classification Sherloc (09022015). Collection method: clinical testing. Allele origin: germline.
Comment: This sequence change creates a premature translational stop signal (p.Gly885Argfs*59) in the COL2A1 gene. It is expected to result in an absent or disrupted protein product. Loss-of-function variants in COL2A1 are known to be pathogenic (PMID: 20179744). This variant is not present in population databases (gnomAD no frequency). This variant has not been reported in the literature in individuals affected with COL2A1-related conditions. For these reasons, this variant has been classified as Pathogenic.

Literature cited by the submitters: PubMed 20179744.

NM_001844.5(COL2A1):c.2652dup (p.Gly885fs)

Gene: COL2A1 (collagen type II alpha 1 chain; minus strand). Cytogenetic location: 12q13.11.
Variant type: Duplication.
Coding change: c.2652dup on transcript NM_001844.5 (MANE Select); coding-DNA position 2652, one base duplicated (A; older notation c.2652dupA).
Protein change: p.Gly885fs; shifts the reading frame from glycine 885.
Molecular consequence: frameshift variant.
Genome position (GRCh38, 1-based): chr12:47,980,036, T duplicated on the plus strand (A on the coding strand, the reverse complement: COL2A1 is on the minus strand); the first of 3 consecutive T bases (chr12:47,980,036-47,980,038); duplicating any one gives the same sequence. VCF-style (leftmost placement, unchanged base first): chr12-47980035-C-CT. GRCh37 (hg19) VCF-style: chr12-48373818-C-CT.
Other names: c.2445dup, p.Gly816fs (NM_033150.3); short protein forms G885fs, G816fs.
Identifiers: ClinVar variation 3661251 (VCV003661251.2).